The following is an entry in ClinVar:

ClinVar aggregate classification (germline): Uncertain significance (1 of 4 stars; one submission).

gnomAD v4.1: 1 of 1,613,906 alleles (0.000062%); highest among the groups gnomAD compares: Non-Finnish European, 0.000085%; no homozygotes.

Submission:

Women's Health and Genetics/Laboratory Corporation of America, LabCorp
Classification: Uncertain significance. Last evaluated: 2024-09-27. Review status: criteria provided, single submitter. Criteria: LabCorp Variant Classification Summary - May 2015. Collection method: clinical testing. Allele origin: germline.
Comment: Variant summary: SMPD1 c.1155T>G (p.Asn385Lys) results in a non-conservative amino acid change located in the Calcineurin-like phosphoesterase domain, ApaH type (IPR004843) of the encoded protein sequence. Four of four in-silico tools predict a damaging effect of the variant on protein function. The variant was absent in 249274 control chromosomes (gnomAD). c.1155T>G has been reported in the literature in individuals affected with Niemann-Pick Disease (Manshadi_2015, Almeida_2022). These data indicate that the variant may be associated with disease. To our knowledge, no experimental evidence demonstrating an impact on protein function has been reported. The following publications have been ascertained in the context of this evaluation (PMID: 35614200, 27435900, 25811928, 38866761). No submitters have cited clinical-significance assessments for this variant to ClinVar. Based on the evidence outlined above, the variant was classified as VUS-possibly pathogenic.

Literature cited by the submitters: PubMed 27435900; PubMed 35614200; PubMed 25811928; PubMed 38866761.

NM_000543.5(SMPD1):c.1155T>G (p.Asn385Lys)

Gene: SMPD1 (sphingomyelin phosphodiesterase 1; plus strand). Cytogenetic location: 11p15.4.
Variant type: single nucleotide variant.
Coding change: c.1155T>G on transcript NM_000543.5 (MANE Select); coding-DNA position 1155, T replaced by G.
Protein change: p.Asn385Lys; replaces asparagine 385 with lysine.
Molecular consequence: missense variant. On other transcripts: non-coding transcript variant (1), intron variant (1).
Genome position (GRCh38, 1-based): chr11:6,393,279, T>G. VCF-style: chr11-6393279-T-G. GRCh37 (hg19) VCF-style: chr11-6414509-T-G.
Other names: c.1152T>G, p.Asn384Lys (NM_001007593.3); c.1155T>G, p.Asn385Lys (NM_001318087.2); c.234T>G, p.Asn78Lys (NM_001318088.2); c.1132-338T>G (NM_001365135.2); short protein forms N384K, N385K, N78K.
Identifiers: ClinVar variation 3375142 (VCV003375142.1).